The following is an entry in ClinVar:

ClinVar aggregate classification (germline): Pathogenic (1 of 4 stars; one submission).

Conditions:
Familial hypocalciuric hypercalcemia (FHH). Also called: Familial benign hypercalcemia. Identifiers: Orphanet 405, MedGen C1809471, MONDO:0018458.
Autosomal dominant hypocalcemia 1 (HYPOC1). Also called: HYPOCALCEMIA, FAMILIAL. Identifiers: MedGen C3715128, MONDO:0011013, OMIM 601198.

Submission:

Labcorp Genetics (formerly Invitae), Labcorp
Classification: Pathogenic for Familial hypocalciuric hypercalcemia; Autosomal dominant hypocalcemia 1. Last evaluated: 2023-05-23. Review status: criteria provided, single submitter. Criteria: Invitae Variant Classification Sherloc (09022015). Collection method: clinical testing. Allele origin: germline.
Comment: For these reasons, this variant has been classified as Pathogenic. This variant has not been reported in the literature in individuals affected with CASR-related conditions. This variant is not present in population databases (gnomAD no frequency). This sequence change creates a premature translational stop signal (p.Asn82Alafs*9) in the CASR gene. It is expected to result in an absent or disrupted protein product. Loss-of-function variants in CASR are known to be pathogenic (PMID: 11807402, 14985373, 22422767).

Literature cited by the submitters: PubMed 11807402; PubMed 14985373; PubMed 22422767.

NM_000388.4(CASR):c.244_247del (p.Asn82fs)

Gene: CASR (calcium sensing receptor; plus strand). Cytogenetic location: 3q21.1.
Variant type: Deletion.
Coding change: c.244_247del on transcript NM_000388.4 (MANE Select); coding-DNA positions 244 to 247, 4 bases deleted (AACA; older notation c.244_247delAACA).
Protein change: p.Asn82fs; shifts the reading frame from asparagine 82.
Molecular consequence: frameshift variant.
Genome position (GRCh38, 1-based): chr3:122,257,139-122,257,142, AACA deleted; deleting any 4 consecutive bases within chr3:122,257,138-122,257,142 gives the same sequence; the c. name uses the placement nearest the transcript's 3' end. VCF-style (leftmost placement, unchanged base first): chr3-122257137-TAAAC-T. GRCh37 (hg19) VCF-style: chr3-121975984-TAAAC-T.
Other names: c.244_247del, p.Asn82fs (NM_001178065.2); short protein forms N82fs.
Identifiers: ClinVar variation 2948151 (VCV002948151.3), dbSNP rs2473214136, ClinGen allele CA2740094559.